The following is an entry in ClinVar:

NM_016529.6(ATP8A2):c.2569-2dup

Gene: ATP8A2 (ATPase phospholipid transporting 8A2). Cytogenetic location: 13q12.13.
Variant type: Duplication.
Coding change: c.2569-2dup on transcript NM_016529.6 (MANE Select); the canonical splice acceptor site of the intron before coding-DNA position 2569, one base duplicated.
Molecular consequence: splice acceptor variant.
Genome position: GRCh38 VCF-style: chr13-25774846-C-CA. GRCh37 (hg19) VCF-style: chr13-26348984-C-CA.
Other names: c.2569-2dup (NM_001411005.1, NM_001411006.1); c.2449-2dup (NM_001313741.1).
Identifiers: ClinVar variation 3393698 (VCV003393698.1).
Genomic context (GRCh38, chr13:25,774,846, plus strand): 5'-CTGTTTGTGACTTTTATTCCTCAATGATGGGCTCTTCTGAGCTTTGTAATTTTCCTTTTT[C>CA]AGTTTTCCTACTTAGAGAAGCTTCTGTTGGTTCATGGAGCCTGGAGCTACAACCGGGTGA-3'

ClinVar aggregate classification (germline): Uncertain significance (1 of 4 stars; one submission).

Submission:

GeneDx
Classification: Uncertain significance. Last evaluated: 2024-07-02. Review status: criteria provided, single submitter. Criteria: GeneDx Variant Classification Process June 2021. Collection method: clinical testing. Allele origin: germline. Affected: yes.
Comment: Not observed at significant frequency in large population cohorts (gnomAD); In silico analysis indicates that this variant does not alter splicing; Has not been previously published as pathogenic or benign to our knowledge